The following is an entry in ClinVar:

NM_016653.3(MAP3K20):c.2170C>T (p.Pro724Ser)

Genes: MAP3K20 (mitogen-activated protein kinase kinase kinase 20; plus strand), MAP3K20-AS1 (MAP3K20 antisense RNA 1; minus strand). Cytogenetic location: 2q31.1.
Variant type: single nucleotide variant.
Coding change: c.2170C>T on transcript NM_016653.3 (MANE Select); coding-DNA position 2170, C replaced by T.
Protein change: p.Pro724Ser; replaces proline 724 with serine.
Molecular consequence: missense variant.
Genome position (GRCh38, 1-based): chr2:173,266,517, C>T. VCF-style: chr2-173266517-C-T. GRCh37 (hg19) VCF-style: chr2-174131245-C-T.
Other names: short protein forms P724S.
Identifiers: ClinVar variation 1936333 (VCV001936333.3), dbSNP rs1452983288, ClinGen allele CA349317953.

ClinVar aggregate classification (germline): Uncertain significance (1 of 4 stars; one submission).

Allele frequency attached by ClinVar (database versions not stated): TOPMed below 0.00001; gnomAD 0.00001; gnomAD exomes 0.00001.
gnomAD v4.1: 9 of 1,613,892 alleles (0.00056%); highest among the groups gnomAD compares: Non-Finnish European, 0.00068%; no homozygotes.

Submission:

Labcorp Genetics (formerly Invitae), Labcorp
Classification: Uncertain significance. Last evaluated: 2022-02-11. Review status: criteria provided, single submitter. Criteria: Invitae Variant Classification Sherloc (09022015). Collection method: clinical testing. Allele origin: germline.
Comment: This sequence change replaces proline, which is neutral and non-polar, with serine, which is neutral and polar, at codon 724 of the MAP3K20 protein (p.Pro724Ser). This variant is not present in population databases (gnomAD no frequency). This variant has not been reported in the literature in individuals affected with MAP3K20-related conditions. Experimental studies and prediction algorithms are not available or were not evaluated, and the functional significance of this variant is currently unknown. In summary, the available evidence is currently insufficient to determine the role of this variant in disease. Therefore, it has been classified as a Variant of Uncertain Significance.